The following is an entry in ClinVar:

ClinVar aggregate classification (germline): Uncertain significance (1 of 4 stars; one submission).

gnomAD v4.1: 3 of 1,582,426 alleles (0.00019%); highest among the groups gnomAD compares: Non-Finnish European, 0.00026%; no homozygotes.

Submission:

Labcorp Genetics (formerly Invitae), Labcorp
Classification: Uncertain significance. Last evaluated: 2025-10-18. Review status: criteria provided, single submitter. Criteria: Invitae Variant Classification Sherloc (09022015). Collection method: clinical testing. Allele origin: germline.
Comment: This sequence change falls in intron 50 of the PIEZO2 gene. It does not directly change the encoded amino acid sequence of the PIEZO2 protein. This variant is present in population databases (rs372248498, gnomAD no frequency). This variant has not been reported in the literature in individuals affected with PIEZO2-related conditions. Algorithms developed to predict the effect of sequence changes on RNA splicing suggest that this variant may disrupt the consensus splice site. In summary, the available evidence is currently insufficient to determine the role of this variant in disease. Therefore, it has been classified as a Variant of Uncertain Significance.

NM_001378183.1(PIEZO2):c.8162-9C>A

Gene: PIEZO2 (piezo type mechanosensitive ion channel component 2; minus strand). Cytogenetic location: 18p11.22.
Variant type: single nucleotide variant.
Coding change: c.8162-9C>A on transcript NM_001378183.1 (MANE Select); 9 bases into the intron before coding-DNA position 8162, C replaced by A.
Molecular consequence: intron variant.
Genome position (GRCh38, 1-based): chr18:10,672,882, G>T on the plus strand (C>A on the coding strand, the complement: PIEZO2 is on the minus strand). VCF-style: chr18-10672882-G-T. GRCh37 (hg19) VCF-style: chr18-10672879-G-T.
Other names: c.7823-9C>A (NM_022068.4); c.7898-9C>A (NM_001410871.1).
Identifiers: ClinVar variation 4708876 (VCV004708876.1).